The following is an entry in ClinVar:

NM_001042681.2(RERE):c.4255A>T (p.Met1419Leu)

Gene: RERE (arginine-glutamic acid dipeptide repeats; minus strand). Cytogenetic location: 1p36.23.
Variant type: single nucleotide variant.
Coding change: c.4255A>T on transcript NM_001042681.2 (MANE Select); coding-DNA position 4255, A replaced by T.
Protein change: p.Met1419Leu; replaces methionine 1419 with leucine.
Molecular consequence: missense variant.
Genome position (GRCh38, 1-based): chr1:8,358,280, T>A on the plus strand (A>T on the coding strand, the complement: RERE is on the minus strand). VCF-style: chr1-8358280-T-A. GRCh37 (hg19) VCF-style: chr1-8418340-T-A.
Other names: c.2593A>T, p.Met865Leu (NM_001042682.2); c.4255A>T, p.Met1419Leu (NM_012102.4); short protein forms M1419L, M865L.
Identifiers: ClinVar variation 4975651 (VCV004975651.1).

ClinVar aggregate classification (germline): Uncertain significance (1 of 4 stars; one submission).

Submission:

GeneDx
Classification: Uncertain significance. Last evaluated: 2026-01-30. Review status: criteria provided, single submitter. Criteria: GeneDx Variant Classification Process June 2021. Collection method: clinical testing. Allele origin: germline.
Comment: Not observed at significant frequency in large population cohorts (gnomAD); In silico analysis suggests that this missense variant does not alter protein structure/function; Has not been previously published as pathogenic or benign to our knowledge